The following is an entry in ClinVar:

NM_002075.4(GNB3):c.779A>G (p.Glu260Gly)

Genes: CDCA3 (cell division cycle associated 3; minus strand), GNB3 (G protein subunit beta 3; plus strand). Cytogenetic location: 12p13.31.
Variant type: single nucleotide variant.
Coding change: c.779A>G on transcript NM_002075.4 (MANE Select); coding-DNA position 779, A replaced by G.
Protein change: p.Glu260Gly; replaces glutamic acid 260 with glycine.
Molecular consequence: missense variant. On other transcripts: 3 prime UTR variant (1).
Genome position (GRCh38, 1-based): chr12:6,845,665, A>G. VCF-style: chr12-6845665-A-G. GRCh37 (hg19) VCF-style: chr12-6954829-A-G.
Other names: c.776A>G, p.Glu259Gly (NM_001297571.2); c.*1123T>C (NM_001297603.3); short protein forms E260G, E259G.
Identifiers: ClinVar variation 1469175 (VCV001469175.9), dbSNP rs1555124488, ClinGen allele CA383674848.
Genomic context (GRCh38, chr12:6,845,665, plus strand): 5'-CCATCTGCACGGGCTCGGATGACGCTTCCTGCCGCTTGTTTGACCTGCGGGCAGACCAGG[A>G]GCTGATCTGCTTCTCCCACGAGAGCATCATCTGCGGCATCACGTCCGTGGCCTTCTCCCT-3'
Protein context (NP_002066.1, residues 250-270): CRLFDLRADQ[Glu260Gly]LICFSHESII

ClinVar aggregate classification (germline): Uncertain significance (1 of 4 stars; one submission).

Allele frequency attached by ClinVar (database versions not stated): gnomAD exomes below 0.00001.
gnomAD v4.1: 1 of 1,613,830 alleles (0.000062%); highest among the groups gnomAD compares: East Asian, 0.0022%; no homozygotes.

Submission:

Labcorp Genetics (formerly Invitae), Labcorp
Classification: Uncertain significance. Last evaluated: 2022-06-03. Review status: criteria provided, single submitter. Criteria: Invitae Variant Classification Sherloc (09022015). Collection method: clinical testing. Allele origin: germline.
Comment: In summary, the available evidence is currently insufficient to determine the role of this variant in disease. Therefore, it has been classified as a Variant of Uncertain Significance. Algorithms developed to predict the effect of missense changes on protein structure and function are either unavailable or do not agree on the potential impact of this missense change (SIFT: "Deleterious"; PolyPhen-2: "Possibly Damaging"; Align-GVGD: "Class C0"). ClinVar contains an entry for this variant (Variation ID: 1469175). This variant has not been reported in the literature in individuals affected with GNB3-related conditions. This variant is present in population databases (no rsID available, gnomAD 0.006%). This sequence change replaces glutamic acid, which is acidic and polar, with glycine, which is neutral and non-polar, at codon 260 of the GNB3 protein (p.Glu260Gly).